The following is an entry in ClinVar:

NM_033409.4(SLC52A3):c.478G>A (p.Gly160Ser)

Gene: SLC52A3 (solute carrier family 52 member 3; minus strand). Cytogenetic location: 20p13.
Variant type: single nucleotide variant.
Coding change: c.478G>A on transcript NM_033409.4 (MANE Select); coding-DNA position 478, G replaced by A.
Protein change: p.Gly160Ser; replaces glycine 160 with serine.
Molecular consequence: missense variant.
Genome position (GRCh38, 1-based): chr20:765,297, C>T on the plus strand (G>A on the coding strand, the complement: SLC52A3 is on the minus strand). VCF-style: chr20-765297-C-T. GRCh37 (hg19) VCF-style: chr20-745941-C-T.
Other names: c.478G>A, p.Gly160Ser (NM_001370085.1, NM_001370086.1); c.478G>A (NM_033409.3); short protein forms G160S.
Identifiers: ClinVar variation 1035244 (VCV001035244.6), dbSNP rs199778195, ClinGen allele CA9724771.

ClinVar aggregate classification (germline): Uncertain significance. Review status: criteria provided, multiple submitters, no conflicts (2 of 4 stars). 2 submissions from 2 submitters: Uncertain significance (2). Last evaluated 2025-08-25.

Conditions:
Inborn genetic diseases. Identifiers: MedGen C0950123, MeSH D030342.
Brown-Vialetto-van Laere syndrome 1. Also called: BROWN-VIALETTO-VAN LAERE SYNDROME 1, MILD; BULBAR PALSY, PROGRESSIVE, WITH SENSORINEURAL DEAFNESS; PONTOBULBAR PALSY WITH DEAFNESS. Identifiers: Orphanet 572550, Orphanet 97229, MedGen C0796274, MONDO:0024537, OMIM 211530.

Allele frequency attached by ClinVar (database versions not stated): gnomAD exomes below 0.00001 and 0.00002; TOPMed below 0.00001; ExAC 0.00001; gnomAD 0.00001; 1000 Genomes Project 0.00020; 1000 Genomes Project 30x 0.00031.
gnomAD v4.1: 8 of 1,614,114 alleles (0.0005%); highest among the groups gnomAD compares: Admixed American, 0.0083%; no homozygotes.

Submissions (2):

Ambry Genetics
Classification: Uncertain significance for Inborn genetic diseases. Last evaluated: 2025-08-25. Review status: criteria provided, single submitter. Criteria: Ambry Variant Classification Scheme 2023. Collection method: clinical testing. Allele origin: germline.

Labcorp Genetics (formerly Invitae), Labcorp
Classification: Uncertain significance for Brown-Vialetto-van Laere syndrome 1. Last evaluated: 2021-09-20. Review status: criteria provided, single submitter. Criteria: Invitae Variant Classification Sherloc (09022015). Collection method: clinical testing. Allele origin: germline.
Comment: This sequence change replaces glycine with serine at codon 160 of the SLC52A3 protein (p.Gly160Ser). The glycine residue is highly conserved and there is a small physicochemical difference between glycine and serine. This variant is present in population databases (rs199778195, ExAC 0.009%). This variant has not been reported in the literature in individuals affected with SLC52A3-related conditions. Algorithms developed to predict the effect of missense changes on protein structure and function (SIFT, PolyPhen-2, Align-GVGD) all suggest that this variant is likely to be disruptive. In summary, the available evidence is currently insufficient to determine the role of this variant in disease. Therefore, it has been classified as a Variant of Uncertain Significance.